The following is an entry in ClinVar:

ClinVar aggregate classification (germline): Uncertain significance (1 of 4 stars; one submission).

Conditions:
Long QT syndrome (LQTS). Identifiers: MedGen C0023976, MeSH D008133, MONDO:0002442. Disease mechanism: loss of function. Inheritance: Various modes of inheritance.

gnomAD v4.1: 4 of 1,608,620 alleles (0.00025%); highest among the groups gnomAD compares: Non-Finnish European, 0.00034%; no homozygotes.

Submission:

Labcorp Genetics (formerly Invitae), Labcorp
Classification: Uncertain significance for Long QT syndrome. Last evaluated: 2024-07-18. Review status: criteria provided, single submitter. Criteria: Invitae Variant Classification Sherloc (09022015). Collection method: clinical testing. Allele origin: germline.
Comment: This sequence change replaces serine, which is neutral and polar, with isoleucine, which is neutral and non-polar, at codon 874 of the KCNH2 protein (p.Ser874Ile). This variant is not present in population databases (gnomAD no frequency). This variant has not been reported in the literature in individuals affected with KCNH2-related conditions. An algorithm developed to predict the effect of missense changes on protein structure and function (PolyPhen-2) suggests that this variant is likely to be tolerated. In summary, the available evidence is currently insufficient to determine the role of this variant in disease. Therefore, it has been classified as a Variant of Uncertain Significance.

NM_000238.4(KCNH2):c.2621G>T (p.Ser874Ile)

Gene: KCNH2 (potassium voltage-gated channel subfamily H member 2; minus strand). Cytogenetic location: 7q36.1.
Variant type: single nucleotide variant.
Coding change: c.2621G>T on transcript NM_000238.4 (MANE Select); coding-DNA position 2621, G replaced by T.
Protein change: p.Ser874Ile; replaces serine 874 with isoleucine.
Molecular consequence: missense variant. On other transcripts: non-coding transcript variant (2).
Genome position (GRCh38, 1-based): chr7:150,948,515, C>A on the plus strand (G>T on the coding strand, the complement: KCNH2 is on the minus strand). VCF-style: chr7-150948515-C-A. GRCh37 (hg19) VCF-style: chr7-150645603-C-A.
Other names: c.2333G>T, p.Ser778Ile (NM_001406753.1); c.1601G>T, p.Ser534Ile (NM_172057.3); short protein forms S874I, S534I, S778I.
Identifiers: ClinVar variation 3713007 (VCV003713007.2).